The following is an entry in ClinVar:

ClinVar aggregate classification (germline): Benign/Likely benign. Review status: criteria provided, multiple submitters, no conflicts (2 of 4 stars). 14 submissions from 14 submitters: Benign (4); Likely benign (10). Last evaluated 2026-01-28.

Conditions:
POLD1-related polyposis and colorectal cancer syndrome (CRCS10). Also called: Colorectal cancer 10; COLORECTAL CANCER, SUSCEPTIBILITY TO, ON CHROMOSOME 19q; Colorectal cancer, susceptibility to, 10. Identifiers: Orphanet 220460, MedGen C2675481, MONDO:0012953, OMIM 612591.
Hereditary cancer-predisposing syndrome. Also called: Tumor predisposition; Hereditary Cancer Syndrome; Neoplastic Syndromes, Hereditary; Hereditary neoplastic syndrome. Identifiers: Orphanet 140162, MedGen C0027672, MeSH D009386, MONDO:0015356.

Allele frequency attached by ClinVar (database versions not stated): gnomAD exomes 0.00015; ExAC 0.00017; gnomAD 0.00072 and 0.00083; TOPMed 0.00092; ESP Exome Variant Server 0.00100.
gnomAD v4.1: 246 of 1,586,964 alleles (0.016%); highest among the groups gnomAD compares: African/African-American, 0.24%; no homozygotes.

Submissions (14):

Labcorp Genetics (formerly Invitae), Labcorp
Classification: Benign for POLD1-related polyposis and colorectal cancer syndrome. Last evaluated: 2026-01-28. Review status: criteria provided, single submitter. Criteria: Invitae Variant Classification Sherloc (09022015). Collection method: clinical testing. Allele origin: germline.

CeGaT Center for Human Genetics Tuebingen
Classification: Likely benign. Last evaluated: 2025-11-01. Review status: criteria provided, single submitter. Criteria: CeGaT Center For Human Genetics Tuebingen Variant Classification Criteria Version 2. Collection method: clinical testing. Allele origin: germline. Affected: yes. Observed: 2 variant alleles.
Comment: POLD1: BP4, BP7

Mayo Clinic Laboratories, Mayo Clinic
Classification: Likely benign. Last evaluated: 2025-06-05. Review status: criteria provided, single submitter. Criteria: ACMG Guidelines, 2015. Collection method: clinical testing. Allele origin: germline. Observed: 1 variant allele.
Comment: BS1, BP4, BP7

Center for Genomic Medicine, Rigshospitalet, Copenhagen University Hospital
Classification: Likely benign. Last evaluated: 2025-03-04. Review status: criteria provided, single submitter. Criteria: ACMG Guidelines, 2015. Collection method: clinical testing. Allele origin: germline.

KCCC/NGS Laboratory, Kuwait Cancer Control Center
Classification: Benign for POLD1-related polyposis and colorectal cancer syndrome. Last evaluated: 2025-02-01. Review status: criteria provided, single submitter. Criteria: ACMG Guidelines, 2015. Collection method: clinical testing. Allele origin: germline. Affected: no.

GeneDx
Classification: Likely benign. Last evaluated: 2024-10-22. Review status: criteria provided, single submitter. Criteria: GeneDx Variant Classification Process June 2021. Collection method: clinical testing. Allele origin: germline. Affected: yes.
Comment: See Variant Classification Assertion Criteria.

Blueprint Genetics
Classification: Likely benign. Last evaluated: 2024-09-16. Review status: criteria provided, single submitter. Criteria: ACMG Guidelines, 2015. Collection method: clinical testing. Allele origin: germline.

Women's Health and Genetics/Laboratory Corporation of America, LabCorp
Classification: Benign. Last evaluated: 2023-07-13. Review status: criteria provided, single submitter. Criteria: LabCorp Variant Classification Summary - May 2015. Collection method: clinical testing. Allele origin: germline.

Genetic Services Laboratory, University of Chicago
Classification: Likely benign. Last evaluated: 2022-01-04. Review status: criteria provided, single submitter. Criteria: ACMG Guidelines, 2015. Collection method: clinical testing. Allele origin: germline. Affected: no.

Sema4
Classification: Likely benign for Hereditary cancer-predisposing syndrome. Last evaluated: 2021-03-18. Review status: criteria provided, single submitter. Criteria: Sema4 Curation Guidelines. Collection method: curation. Allele origin: germline.

Quest Diagnostics Nichols Institute San Juan Capistrano
Classification: Benign. Last evaluated: 2018-05-09. Review status: criteria provided, single submitter. Criteria: Quest Diagnostics criteria. Collection method: clinical testing. Allele origin: germline.

Eurofins Ntd Llc (ga)
Classification: Likely benign. Last evaluated: 2018-02-23. Review status: criteria provided, single submitter. Criteria: EGL ClinVar v180209 classification definitions. Collection method: clinical testing. Allele origin: germline. Observed: 1 variant allele, 1 heterozygote.

Ambry Genetics
Classification: Likely benign for Hereditary cancer-predisposing syndrome. Last evaluated: 2015-08-17. Review status: criteria provided, single submitter. Criteria: Ambry Variant Classification Scheme 2023. Collection method: clinical testing. Allele origin: germline.

Breakthrough Genomics
Classification: Likely benign. Review status: criteria provided, single submitter. Criteria: ACMG Guidelines, 2015. Collection method: not provided. Allele origin: germline. Inheritance: Autosomal dominant inheritance. Affected: yes.

NM_002691.4(POLD1):c.612C>T (p.His204=)

Gene: POLD1 (DNA polymerase delta 1, catalytic subunit; plus strand). Cytogenetic location: 19q13.33.
Variant type: single nucleotide variant.
Coding change: c.612C>T on transcript NM_002691.4 (MANE Select); coding-DNA position 612, C replaced by T.
Protein change: p.His204=; no amino-acid change (histidine 204 retained).
Molecular consequence: synonymous variant. On other transcripts: non-coding transcript variant (1).
Genome position (GRCh38, 1-based): chr19:50,402,227, C>T. VCF-style: chr19-50402227-C-T. GRCh37 (hg19) VCF-style: chr19-50905484-C-T.
Other names: p.His204=; c.612C>T, p.His204= (NM_001256849.1, NM_001308632.1).
Identifiers: ClinVar variation 239360 (VCV000239360.45), dbSNP rs147881471, ClinGen allele CA9595836.